The following is an entry in ClinVar:

NM_020461.4(TUBGCP6):c.1924G>A (p.Val642Ile)

Gene: TUBGCP6 (tubulin gamma complex component 6; minus strand). Cytogenetic location: 22q13.33.
Variant type: single nucleotide variant.
Coding change: c.1924G>A on transcript NM_020461.4 (MANE Select); coding-DNA position 1924, G replaced by A.
Protein change: p.Val642Ile; replaces valine 642 with isoleucine.
Molecular consequence: missense variant.
Genome position (GRCh38, 1-based): chr22:50,225,853, C>T on the plus strand (G>A on the coding strand, the complement: TUBGCP6 is on the minus strand). VCF-style: chr22-50225853-C-T. GRCh37 (hg19) VCF-style: chr22-50664282-C-T.
Other names: c.1924G>A (NM_020461.3); short protein forms V642I.
Identifiers: ClinVar variation 1942277 (VCV001942277.5), dbSNP rs757088867, ClinGen allele CA10308450.

ClinVar aggregate classification (germline): Conflicting classifications of pathogenicity. Review status: criteria provided, conflicting classifications (1 of 4 stars). 2 submissions from 2 submitters: Uncertain significance (1); Likely benign (1). Last evaluated 2024-06-16.

Conditions:
Inborn genetic diseases. Identifiers: MedGen C0950123, MeSH D030342.

Allele frequency attached by ClinVar (database versions not stated): gnomAD 0.00001; TOPMed 0.00001; ExAC 0.00007.
gnomAD v4.1: 33 of 1,613,794 alleles (0.002%); highest among the groups gnomAD compares: South Asian, 0.02%; no homozygotes.

Submissions (2):

Ambry Genetics
Classification: Likely benign for Inborn genetic diseases. Last evaluated: 2024-06-16. Review status: criteria provided, single submitter. Criteria: Ambry Variant Classification Scheme 2023. Collection method: clinical testing. Allele origin: germline.

Labcorp Genetics (formerly Invitae), Labcorp
Classification: Uncertain significance. Last evaluated: 2022-12-22. Review status: criteria provided, single submitter. Criteria: Invitae Variant Classification Sherloc (09022015). Collection method: clinical testing. Allele origin: germline.
Comment: In summary, the available evidence is currently insufficient to determine the role of this variant in disease. Therefore, it has been classified as a Variant of Uncertain Significance. Algorithms developed to predict the effect of missense changes on protein structure and function output the following: SIFT: "Tolerated"; PolyPhen-2: "Benign"; Align-GVGD: "Class C0". The isoleucine amino acid residue is found in multiple mammalian species, which suggests that this missense change does not adversely affect protein function. This variant has not been reported in the literature in individuals affected with TUBGCP6-related conditions. This variant is present in population databases (rs757088867, gnomAD 0.04%). This sequence change replaces valine, which is neutral and non-polar, with isoleucine, which is neutral and non-polar, at codon 642 of the TUBGCP6 protein (p.Val642Ile).